The following is an entry in ClinVar:

ClinVar aggregate classification (germline): Uncertain significance (1 of 4 stars; one submission).

Allele frequency attached by ClinVar (database versions not stated): gnomAD exomes below 0.00001; gnomAD 0.00001; TOPMed 0.00001.
gnomAD v4.1: 2 of 1,607,776 alleles (0.00012%); highest among the groups gnomAD compares: African/African-American, 0.0027%; no homozygotes.

Submission:

Labcorp Genetics (formerly Invitae), Labcorp
Classification: Uncertain significance. Last evaluated: 2022-10-17. Review status: criteria provided, single submitter. Criteria: Invitae Variant Classification Sherloc (09022015). Collection method: clinical testing. Allele origin: germline.
Comment: This sequence change falls in intron 3 of the FBXO11 gene. It does not directly change the encoded amino acid sequence of the FBXO11 protein. It affects a nucleotide within the consensus splice site. In summary, the available evidence is currently insufficient to determine the role of this variant in disease. Therefore, it has been classified as a Variant of Uncertain Significance. Variants that disrupt the consensus splice site are a relatively common cause of aberrant splicing (PMID: 17576681, 9536098). Algorithms developed to predict the effect of sequence changes on RNA splicing suggest that this variant is not likely to affect RNA splicing. ClinVar contains an entry for this variant (Variation ID: 1349639). This variant has not been reported in the literature in individuals affected with FBXO11-related conditions. This variant is not present in population databases (gnomAD no frequency).

Literature cited by the submitters: PubMed 17576681; PubMed 9536098.

NM_001190274.2(FBXO11):c.442+4T>C

Gene: FBXO11 (F-box protein 11; minus strand). Cytogenetic location: 2p16.3.
Variant type: single nucleotide variant.
Coding change: c.442+4T>C on transcript NM_001190274.2 (MANE Select); 4 bases into the intron after coding-DNA position 442, T replaced by C.
Molecular consequence: intron variant.
Genome position (GRCh38, 1-based): chr2:47,839,415, A>G on the plus strand (T>C on the coding strand, the complement: FBXO11 is on the minus strand). VCF-style: chr2-47839415-A-G. GRCh37 (hg19) VCF-style: chr2-48066554-A-G.
Other names: c.190+4T>C (NM_001374325.1, NM_025133.4).
Identifiers: ClinVar variation 1349639 (VCV001349639.6), dbSNP rs949718117, ClinGen allele CA47225886.